The following is an entry in ClinVar:

ClinVar aggregate classification (germline): Pathogenic (1 of 4 stars; one submission).

Submission:

Labcorp Genetics (formerly Invitae), Labcorp
Classification: Pathogenic. Last evaluated: 2022-12-27. Review status: criteria provided, single submitter. Criteria: Invitae Variant Classification Sherloc (09022015). Collection method: clinical testing. Allele origin: germline.
Comment: For these reasons, this variant has been classified as Pathogenic. This variant has not been reported in the literature in individuals affected with ZNF469-related conditions. This variant is not present in population databases (gnomAD no frequency). This sequence change creates a premature translational stop signal (p.Gln212Argfs*134) in the ZNF469 gene. It is expected to result in an absent or disrupted protein product. Loss-of-function variants in ZNF469 are known to be pathogenic (PMID: 23642083, 23680354).

Literature cited by the submitters: PubMed 23642083; PubMed 23680354.

NM_001367624.2(ZNF469):c.627del (p.Gln212fs)

Gene: ZNF469 (zinc finger protein 469; plus strand). Cytogenetic location: 16q24.2.
Variant type: Deletion.
Coding change: c.627del on transcript NM_001367624.2 (MANE Select); coding-DNA position 627, one base deleted (G; older notation c.627delG).
Protein change: p.Gln212fs; shifts the reading frame from glutamine 212.
Molecular consequence: frameshift variant.
Genome position (GRCh38, 1-based): chr16:88,428,097, G deleted; the last of 4 consecutive G bases (chr16:88,428,094-88,428,097); deleting any one gives the same sequence. VCF-style (leftmost placement, unchanged base first): chr16-88428093-CG-C. GRCh37 (hg19) VCF-style: chr16-88494501-CG-C.
Other names: short protein forms Q212fs.
Identifiers: ClinVar variation 2824595 (VCV002824595.3), dbSNP rs2507571809, ClinGen allele CA2739265524.
Genomic context (GRCh38, chr16:88,428,093, plus strand): 5'-CCTCCAGCTTTACCTCCACCAACTATACCTCACCAAGCGCCACCCCCAGGCCCCCAGCCC[CG>C]GGGCCCCCCCAGAGCAGGGGCACCAGCCCCCTCCAGCCCGGTTCCTATCCCGAATACCAG-3'